The following is an entry in ClinVar:

NM_001365951.3(KIF1B):c.1049G>A (p.Arg350His)

Gene: KIF1B (kinesin family member 1B; plus strand). Cytogenetic location: 1p36.22.
Variant type: single nucleotide variant.
Coding change: c.1049G>A on transcript NM_001365951.3 (MANE Select); coding-DNA position 1049, G replaced by A.
Protein change: p.Arg350His; replaces arginine 350 with histidine.
Molecular consequence: missense variant.
Genome position (GRCh38, 1-based): chr1:10,277,997, G>A. VCF-style: chr1-10277997-G-A. GRCh37 (hg19) VCF-style: chr1-10338055-G-A.
Other names: c.1049G>A, p.Arg350His (NM_001365952.1); c.1031G>A, p.Arg344His (NM_001365953.1, NM_015074.3, NM_183416.4); short protein forms R344H, R350H.
Identifiers: ClinVar variation 1771302 (VCV001771302.9), dbSNP rs565984994, ClinGen allele CA580883.

ClinVar aggregate classification (germline): Uncertain significance. Review status: criteria provided, multiple submitters, no conflicts (2 of 4 stars). 2 submissions from 2 submitters: Uncertain significance (2). Last evaluated 2025-02-27.

Conditions:
Charcot-Marie-Tooth disease type 2. Also called: Charcot-Marie-Tooth type 2. Identifiers: Orphanet 64746, MedGen C0270914, MONDO:0018993.

Allele frequency attached by ClinVar (database versions not stated): gnomAD 0.00001; 1000 Genomes Project 30x 0.00016; 1000 Genomes Project 0.00020; ExAC 0.00002.
gnomAD v4.1: 16 of 1,613,708 alleles (0.00099%); highest among the groups gnomAD compares: Admixed American, 0.005%; no homozygotes.

Submissions (2):

Ambry Genetics
Classification: Uncertain significance. Last evaluated: 2025-02-27. Review status: criteria provided, single submitter. Criteria: Ambry Variant Classification Scheme 2023. Collection method: clinical testing. Allele origin: germline.
Comment: The p.R344H variant (also known as c.1031G>A), located in coding exon 11 of the KIF1B gene, results from a G to A substitution at nucleotide position 1031. The arginine at codon 344 is replaced by histidine, an amino acid with highly similar properties. This amino acid position is highly conserved in available vertebrate species. In addition, this alteration is predicted to be deleterious by in silico analysis. The evidence for this gene-disease relationship is limited; therefore, the clinical significance of this alteration is unclear.

Labcorp Genetics (formerly Invitae), Labcorp
Classification: Uncertain significance for Charcot-Marie-Tooth disease type 2. Last evaluated: 2024-10-27. Review status: criteria provided, single submitter. Criteria: Invitae Variant Classification Sherloc (09022015). Collection method: clinical testing. Allele origin: germline.
Comment: This sequence change replaces arginine, which is basic and polar, with histidine, which is basic and polar, at codon 344 of the KIF1B protein (p.Arg344His). This variant is present in population databases (rs565984994, gnomAD 0.003%). This variant has not been reported in the literature in individuals affected with KIF1B-related conditions. ClinVar contains an entry for this variant (Variation ID: 1771302). Invitae Evidence Modeling of protein sequence and biophysical properties (such as structural, functional, and spatial information, amino acid conservation, physicochemical variation, residue mobility, and thermodynamic stability) indicates that this missense variant is expected to disrupt KIF1B protein function with a positive predictive value of 80%. In summary, the available evidence is currently insufficient to determine the role of this variant in disease. Therefore, it has been classified as a Variant of Uncertain Significance.